The following is an entry in ClinVar:

NM_012431.3(SEMA3E):c.590G>A (p.Ser197Asn)

Gene: SEMA3E (semaphorin 3E; minus strand). Cytogenetic location: 7q21.11.
Variant type: single nucleotide variant.
Coding change: c.590G>A on transcript NM_012431.3 (MANE Select); coding-DNA position 590, G replaced by A.
Protein change: p.Ser197Asn; replaces serine 197 with asparagine.
Molecular consequence: missense variant.
Genome position (GRCh38, 1-based): chr7:83,408,448, C>T on the plus strand (G>A on the coding strand, the complement: SEMA3E is on the minus strand). VCF-style: chr7-83408448-C-T. GRCh37 (hg19) VCF-style: chr7-83037764-C-T.
Other names: c.410G>A, p.Ser137Asn (NM_001178129.2); short protein forms S137N, S197N.
Identifiers: ClinVar variation 2122218 (VCV002122218.4), dbSNP rs2484323515, ClinGen allele CA367931896.
Genomic context (GRCh38, chr7:83,408,448, plus strand): 5'-TCATGCTCAGTGCGGATATGGGCCAGTCGCCCCATGCTGCGGAAGATCGCAGCGTCTCTG[C>T]TCCAGTAGTCACTGTAGAGTCCAGCAAACAATTCACTACCTACACGGGAGCATCAGTAAA-3'
Protein context (NP_036563.1, residues 187-207): LFAGLYSDYW[Ser197Asn]RDAAIFRSMG

ClinVar aggregate classification (germline): Uncertain significance (1 of 4 stars; one submission).

Conditions:
CHARGE syndrome (CHARGE). Also called: Hittner Hirsch Kreh syndrome; CHARGE ASSOCIATION--COLOBOMA, HEART ANOMALY, CHOANAL ATRESIA, RETARDATION, GENITAL AND EAR ANOMALIES; Coloboma, heart anomaly, choanal atresia, retardation, genital and ear anomalies; CHARGE association; Hall-Hittner syndrome. Identifiers: Orphanet 138, MedGen C0265354, MONDO:0008965.

gnomAD v4.1: 2 of 1,613,800 alleles (0.00012%); highest among the groups gnomAD compares: South Asian, 0.0022%; no homozygotes.

Submission:

Labcorp Genetics (formerly Invitae), Labcorp
Classification: Uncertain significance for CHARGE syndrome. Last evaluated: 2024-10-15. Review status: criteria provided, single submitter. Criteria: Invitae Variant Classification Sherloc (09022015). Collection method: clinical testing. Allele origin: germline.
Comment: This sequence change replaces serine, which is neutral and polar, with asparagine, which is neutral and polar, at codon 197 of the SEMA3E protein (p.Ser197Asn). This variant is not present in population databases (gnomAD no frequency). This variant has not been reported in the literature in individuals affected with SEMA3E-related conditions. ClinVar contains an entry for this variant (Variation ID: 2122218). Invitae Evidence Modeling of protein sequence and biophysical properties (such as structural, functional, and spatial information, amino acid conservation, physicochemical variation, residue mobility, and thermodynamic stability) indicates that this missense variant is expected to disrupt SEMA3E protein function with a positive predictive value of 80%. In summary, the available evidence is currently insufficient to determine the role of this variant in disease. Therefore, it has been classified as a Variant of Uncertain Significance.